The following is an entry in ClinVar:

ClinVar aggregate classification (germline): Uncertain significance. Review status: criteria provided, multiple submitters, no conflicts (2 of 4 stars). 2 submissions from 2 submitters: Uncertain significance (2). Last evaluated 2025-09-29.

Conditions:
Inborn genetic diseases. Identifiers: MedGen C0950123, MeSH D030342.
Nance-Horan syndrome (NHS). Identifiers: Orphanet 627, MedGen C0796085, MONDO:0010545, OMIM 302350.

Allele frequency attached by ClinVar (database versions not stated): ExAC 0.00001; gnomAD exomes 0.00001; TOPMed 0.00001.
gnomAD v4.1: 11 of 1,211,254 alleles (0.00091%); highest among the groups gnomAD compares: African/African-American, 0.0017%; no homozygotes.

Submissions (2):

Labcorp Genetics (formerly Invitae), Labcorp
Classification: Uncertain significance for Nance-Horan syndrome. Last evaluated: 2025-09-29. Review status: criteria provided, single submitter. Criteria: Invitae Variant Classification Sherloc (09022015). Collection method: clinical testing. Allele origin: germline.
Comment: This sequence change replaces glutamic acid, which is acidic and polar, with lysine, which is basic and polar, at codon 920 of the NHS protein (p.Glu920Lys). The frequency data for this variant in the population databases is considered unreliable, as metrics indicate poor data quality at this position in the gnomAD database. This variant has not been reported in the literature in individuals affected with NHS-related conditions. ClinVar contains an entry for this variant (Variation ID: 2729638). Invitae Evidence Modeling of protein sequence and biophysical properties (such as structural, functional, and spatial information, amino acid conservation, physicochemical variation, residue mobility, and thermodynamic stability) indicates that this missense variant is expected to disrupt NHS protein function with a positive predictive value of 80%. In summary, the available evidence is currently insufficient to determine the role of this variant in disease. Therefore, it has been classified as a Variant of Uncertain Significance.

Ambry Genetics
Classification: Uncertain significance for Inborn genetic diseases. Last evaluated: 2025-02-25. Review status: criteria provided, single submitter. Criteria: Ambry Variant Classification Scheme 2023. Collection method: clinical testing. Allele origin: germline.

NM_001291867.2(NHS):c.2821G>A (p.Glu941Lys)

Gene: NHS (NHS actin remodeling regulator; plus strand). Cytogenetic location: Xp22.13.
Variant type: single nucleotide variant.
Coding change: c.2821G>A on transcript NM_001291867.2 (MANE Select); coding-DNA position 2821, G replaced by A.
Protein change: p.Glu941Lys; replaces glutamic acid 941 with lysine.
Molecular consequence: missense variant.
Genome position (GRCh38, 1-based): chrX:17,726,927, G>A. VCF-style: chrX-17726927-G-A. GRCh37 (hg19) VCF-style: chrX-17745047-G-A.
Other names: c.2290G>A, p.Glu764Lys (NM_001136024.4); c.2227G>A, p.Glu743Lys (NM_001291868.2); c.2758G>A, p.Glu920Lys (NM_198270.4); c.2758G>A (NM_198270.2); short protein forms E743K, E764K, E920K, E941K.
Identifiers: ClinVar variation 2729638 (VCV002729638.4), dbSNP rs771048907, ClinGen allele CA10358764.